The following is an entry in ClinVar:

NM_024513.4(FYCO1):c.3438-9_3438-8del

Gene: FYCO1 (FYVE and coiled-coil domain autophagy adaptor 1; minus strand). Cytogenetic location: 3p21.31.
Variant type: Deletion.
Coding change: c.3438-9_3438-8del on transcript NM_024513.4 (MANE Select); 9 bases into the intron before coding-DNA position 3438 through 8 bases into the intron before coding-DNA position 3438, 2 bases deleted (TT; older notation c.3438-9_3438-8delTT).
Molecular consequence: intron variant.
Genome position (GRCh38, 1-based): chr3:45,959,550-45,959,551, AA deleted on the plus strand (TT on the coding strand, the reverse complement: FYCO1 is on the minus strand); deleting any 2 consecutive bases within chr3:45,959,550-45,959,553 gives the same sequence; the c. name uses the placement nearest the transcript's 3' end. VCF-style (leftmost placement, unchanged base first): chr3-45959549-CAA-C. GRCh37 (hg19) VCF-style: chr3-46001041-CAA-C.
Other names: c.3438-9_3438-8delTT (NM_024513.3); c.2838-9_2838-8del (NM_001386430.1); c.3318-9_3318-8del (NM_001386426.1); c.3294-9_3294-8del (NM_001386427.1); c.3438-9_3438-8del (NM_001386423.1, NM_001386429.1, NM_001386425.1 and 4 more transcripts).
Identifiers: ClinVar variation 1113749 (VCV001113749.9), dbSNP rs536305273, ClinGen allele CA2352780.
Genomic context (GRCh38, chr3:45,959,549, plus strand): 5'-AGCTTCTGCTGGAATTCCAGGGCATCTGACTTCTGCCAGAGAGCATCCTTGTCCCTGGGA[CAA>C]AACCACATTGGAAGAAAAGGAGAGAGAATCCATGAAAACAATAGGATGATCCTTCTTCAT-3'

ClinVar aggregate classification (germline): Likely benign. Review status: criteria provided, single submitter (1 of 4 stars). 2 submissions from 2 submitters: Likely benign (1). 1 of the submissions does not count toward it. Last evaluated 2025-05-13.

Conditions:
FYCO1-related disorder. Also called: FYCO1-related condition.
Cataract 18 (CATC2). Also called: CATARACT 18, AUTOSOMAL RECESSIVE. Identifiers: Orphanet 91492, Orphanet 98991, Orphanet 98992, Orphanet 98995, MedGen C1864908, MONDO:0012395, OMIM 610019.

Submissions (2):

Labcorp Genetics (formerly Invitae), Labcorp
Classification: Likely benign for Cataract 18. Last evaluated: 2025-05-13. Review status: criteria provided, single submitter. Criteria: Invitae Variant Classification Sherloc (09022015). Collection method: clinical testing. Allele origin: germline.

PreventionGenetics, part of Exact Sciences
Classification: Likely benign for FYCO1-related condition. Last evaluated: 2023-06-08. Review status: no assertion criteria provided. Collection method: clinical testing. Allele origin: germline. Not counted in ClinVar's aggregate classification.
Comment: This variant is classified as likely benign based on ACMG/AMP sequence variant interpretation guidelines (Richards et al. 2015 PMID: 25741868, with internal and published modifications).